The following is an entry in ClinVar:

NM_001254.4(CDC6):c.1312A>G (p.Ile438Val)

Gene: CDC6 (cell division cycle 6; plus strand). Cytogenetic location: 17q21.2.
Variant type: single nucleotide variant.
Coding change: c.1312A>G on transcript NM_001254.4 (MANE Select); coding-DNA position 1312, A replaced by G.
Protein change: p.Ile438Val; replaces isoleucine 438 with valine.
Molecular consequence: missense variant.
Genome position (GRCh38, 1-based): chr17:40,300,890, A>G. VCF-style: chr17-40300890-A-G. GRCh37 (hg19) VCF-style: chr17-38457142-A-G.
Other names: short protein forms I438V.
Identifiers: ClinVar variation 2839998 (VCV002839998.3), dbSNP rs2544146838, ClinGen allele CA399334625.

ClinVar aggregate classification (germline): Uncertain significance (1 of 4 stars; one submission).

Submission:

Labcorp Genetics (formerly Invitae), Labcorp
Classification: Uncertain significance. Last evaluated: 2023-11-01. Review status: criteria provided, single submitter. Criteria: Invitae Variant Classification Sherloc (09022015). Collection method: clinical testing. Allele origin: germline.
Comment: This sequence change replaces isoleucine, which is neutral and non-polar, with valine, which is neutral and non-polar, at codon 438 of the CDC6 protein (p.Ile438Val). This variant is not present in population databases (gnomAD no frequency). This variant has not been reported in the literature in individuals affected with CDC6-related conditions. An algorithm developed to predict the effect of missense changes on protein structure and function (PolyPhen-2) suggests that this variant is likely to be tolerated. In summary, the available evidence is currently insufficient to determine the role of this variant in disease. Therefore, it has been classified as a Variant of Uncertain Significance.